The following is an entry in ClinVar:

NM_002350.4(LYN):c.1016T>G (p.Val339Gly)

Gene: LYN (LYN proto-oncogene, Src family tyrosine kinase; plus strand). Cytogenetic location: 8q12.1.
Variant type: single nucleotide variant.
Coding change: c.1016T>G on transcript NM_002350.4 (MANE Select); coding-DNA position 1016, T replaced by G.
Protein change: p.Val339Gly; replaces valine 339 with glycine.
Molecular consequence: missense variant.
Genome position (GRCh38, 1-based): chr8:55,969,759, T>G. VCF-style: chr8-55969759-T-G. GRCh37 (hg19) VCF-style: chr8-56882318-T-G.
Other names: c.953T>G, p.Val318Gly (NM_001111097.3); short protein forms V318G, V339G.
Identifiers: ClinVar variation 3621162 (VCV003621162.2).
Genomic context (GRCh38, chr8:55,969,759, plus strand): 5'-TTCTTTCTTTCTCCATAGGCAGTTTGCTGGATTTCCTGAAGAGCGATGAAGGTGGCAAAG[T>G]GCTGCTTCCAAAGCTCATTGACTTTTCTGCTCAGGTAACATATTCAAAAAGCCCCGTGTG-3'
Protein context (NP_002341.1, residues 329-349): DFLKSDEGGK[Val339Gly]LLPKLIDFSA

ClinVar aggregate classification (germline): Uncertain significance (1 of 4 stars; one submission).

Submission:

Labcorp Genetics (formerly Invitae), Labcorp
Classification: Uncertain significance. Last evaluated: 2024-05-08. Review status: criteria provided, single submitter. Criteria: Invitae Variant Classification Sherloc (09022015). Collection method: clinical testing. Allele origin: germline.
Comment: This sequence change replaces valine, which is neutral and non-polar, with glycine, which is neutral and non-polar, at codon 339 of the LYN protein (p.Val339Gly). This variant is not present in population databases (gnomAD no frequency). This variant has not been reported in the literature in individuals affected with LYN-related conditions. An algorithm developed to predict the effect of missense changes on protein structure and function (PolyPhen-2) suggests that this variant is likely to be disruptive. In summary, the available evidence is currently insufficient to determine the role of this variant in disease. Therefore, it has been classified as a Variant of Uncertain Significance.